The following is an entry in ClinVar:

NM_006269.2(RP1):c.3317T>C (p.Val1106Ala)

Gene: RP1 (RP1 axonemal microtubule associated; plus strand). Cytogenetic location: 8q12.1.
Variant type: single nucleotide variant.
Coding change: c.3317T>C on transcript NM_006269.2 (MANE Select); coding-DNA position 3317, T replaced by C.
Protein change: p.Val1106Ala; replaces valine 1106 with alanine.
Molecular consequence: missense variant. On other transcripts: intron variant (1).
Genome position (GRCh38, 1-based): chr8:54,627,199, T>C. VCF-style: chr8-54627199-T-C. GRCh37 (hg19) VCF-style: chr8-55539759-T-C.
Other names: c.787+4911T>C (NM_001375654.1); short protein forms V1106A.
Identifiers: ClinVar variation 811821 (VCV000811821.15), dbSNP rs1043235694, ClinGen allele CA370996108.

ClinVar aggregate classification (germline): Uncertain significance. Review status: criteria provided, multiple submitters, no conflicts (2 of 4 stars). 2 submissions from 2 submitters: Uncertain significance (2). Last evaluated 2024-02-20.

Conditions:
Retinitis pigmentosa 1 (RP1). Identifiers: Orphanet 791, MedGen C0220701, MONDO:0008377, OMIM 180100.

Allele frequency attached by ClinVar (database versions not stated): TOPMed 0.00002; gnomAD 0.00004.
gnomAD v4.1: 6 of 1,613,958 alleles (0.00037%); highest among the groups gnomAD compares: African/African-American, 0.0067%; no homozygotes.

Submissions (2):

Labcorp Genetics (formerly Invitae), Labcorp
Classification: Uncertain significance. Last evaluated: 2024-02-20. Review status: criteria provided, single submitter. Criteria: Invitae Variant Classification Sherloc (09022015). Collection method: clinical testing. Allele origin: germline.
Comment: This sequence change replaces valine, which is neutral and non-polar, with alanine, which is neutral and non-polar, at codon 1106 of the RP1 protein (p.Val1106Ala). This variant is not present in population databases (gnomAD no frequency). This missense change has been observed in individuals with clinical features of autosomal dominant inherited retinal dystrophy (Invitae). ClinVar contains an entry for this variant (Variation ID: 811821). Algorithms developed to predict the effect of missense changes on protein structure and function output the following: SIFT: "Not Available"; PolyPhen-2: "Benign"; Align-GVGD: "Not Available". The alanine amino acid residue is found in multiple mammalian species, which suggests that this missense change does not adversely affect protein function. In summary, the available evidence is currently insufficient to determine the role of this variant in disease. Therefore, it has been classified as a Variant of Uncertain Significance.

ARUP Laboratories, Molecular Genetics and Genomics, ARUP Laboratories
Classification: Uncertain significance for Retinitis pigmentosa 1. Last evaluated: 2018-12-12. Review status: criteria provided, single submitter. Criteria: ARUP Molecular Germline Variant Investigation Process. Collection method: clinical testing. Allele origin: germline.
Comment: The RP1 c.3317T>C; p.Val1106Ala variant, to our knowledge, is not reported in the medical literature or gene-specific databases. The variant is also absent from general population databases (1000 Genomes Project, Exome Variant Server, and Genome Aggregation Database), indicating it is not a common polymorphism. The amino acid at this position is moderately conserved but computational analyses (SIFT, PolyPhen-2) predict that this variant is tolerated. Considering available information, the clinical significance of this variant cannot be determined with certainty.